The following is an entry in ClinVar:

ClinVar aggregate classification (germline): Conflicting classifications of pathogenicity. Review status: criteria provided, conflicting classifications (1 of 4 stars). 13 submissions from 12 submitters: Uncertain significance (7); Benign (1); Likely benign (4). 1 of the submissions does not count toward it. Last evaluated 2026-06-12.

Conditions:
Polyps, multiple and recurrent inflammatory fibroid, gastrointestinal. Identifiers: MedGen C5193005, MONDO:0008285, OMIM 175510.
PDGFRA-related disorder. Also called: PDGFRA-related condition.
Hereditary cancer-predisposing syndrome. Also called: Neoplastic Syndromes, Hereditary; Hereditary Cancer Syndrome; Tumor predisposition; Hereditary neoplastic syndrome. Identifiers: Orphanet 140162, MedGen C0027672, MeSH D009386, MONDO:0015356.
Gastrointestinal stromal tumor. Also called: Gastrointestinal stromal tumor, somatic; Gastrointestinal stroma tumor. Identifiers: Orphanet 44890, MedGen C0238198, MeSH D046152, MONDO:0011719, OMIM 606764, HP:0100723.
Idiopathic hypereosinophilic syndrome (HES). Identifiers: Orphanet 3260, MedGen C0206141, MONDO:0011895, OMIM 607685. Disease mechanism: gain of function.

Allele frequency attached by ClinVar (database versions not stated): gnomAD exomes 0.00012 and 0.00022; gnomAD 0.00014; ExAC 0.00015; ESP Exome Variant Server 0.00015; TOPMed 0.00017.
gnomAD v4.1: 207 of 1,606,206 alleles (0.013%); highest among the groups gnomAD compares: Non-Finnish European, 0.0082%; no homozygotes.

Submissions (13):

Myriad Genetics, Inc.
Classification: Likely benign for Polyps, multiple and recurrent inflammatory fibroid, gastrointestinal. Last evaluated: 2026-06-12. Review status: criteria provided, single submitter. Criteria: Myriad Autosomal Dominant, Autosomal Recessive and X-Linked Classification Criteria (2023). Collection method: clinical testing. Allele origin: unknown.
Comment: This variant is considered likely benign. This variant has been observed at a population frequency that is significantly greater than expected given the associated disease prevalence and penetrance.

Labcorp Genetics (formerly Invitae), Labcorp
Classification: Likely benign for Gastrointestinal stromal tumor. Last evaluated: 2026-01-28. Review status: criteria provided, single submitter. Criteria: Invitae Variant Classification Sherloc (09022015). Collection method: clinical testing. Allele origin: germline.

GeneDx
Classification: Uncertain significance. Last evaluated: 2024-12-16. Review status: criteria provided, single submitter. Criteria: GeneDx Variant Classification Process June 2021. Collection method: clinical testing. Allele origin: germline.
Comment: In silico analysis supports that this missense variant has a deleterious effect on protein structure/function; Identified in an individual with cancer, type not specified (PMID: 28873162); This variant is associated with the following publications: (PMID: 28873162)

Blueprint Genetics
Classification: Uncertain significance. Last evaluated: 2024-10-14. Review status: criteria provided, single submitter. Criteria: ACMG Guidelines, 2015. Collection method: clinical testing. Allele origin: germline.

Ambry Genetics
Classification: Benign for Hereditary cancer-predisposing syndrome. Last evaluated: 2024-08-20. Review status: criteria provided, single submitter. Criteria: Ambry Variant Classification Scheme 2023. Collection method: clinical testing. Allele origin: germline.

CeGaT Center for Human Genetics Tuebingen
Classification: Likely benign. Last evaluated: 2022-12-01. Review status: criteria provided, single submitter. Criteria: CeGaT Center For Human Genetics Tuebingen Variant Classification Criteria Version 2. Collection method: clinical testing. Allele origin: germline. Affected: yes. Observed: 1 variant allele.
Comment: PDGFRA: BS1

Institute for Clinical Genetics, University Hospital TU Dresden, University Hospital TU Dresden
Classification: Uncertain significance. Last evaluated: 2021-11-03. Review status: criteria provided, single submitter. Criteria: ACMG Guidelines, 2015. Collection method: clinical testing. Allele origin: germline.

Sema4
Classification: Uncertain significance for Hereditary cancer-predisposing syndrome. Last evaluated: 2021-05-11. Review status: criteria provided, single submitter. Criteria: Sema4 Curation Guidelines. Collection method: curation. Allele origin: germline.
Comment: The PDGFRA c.1135T>G (p.L379V) variant has been reported in heterozygosity in at least one individual with advanced cancer (PMID: 28873162). This variant was observed in 26/10072 chromosomes in the Ashkenazi Jewish population, with no homozygotes, according to the Genome Aggregation Database (PMID: 32461654). This variant has been reported in ClinVar (Variation ID: 218679). In silico tools suggest the impact of the variant on protein function is inconclusive, though these predictions have not been confirmed by functional studies. Based on the current evidence available, this variant is interpreted as a variant of uncertain significance.

Illumina Laboratory Services, Illumina
Classification: Likely benign for Idiopathic hypereosinophilic syndrome. Last evaluated: 2018-01-13. Review status: criteria provided, single submitter. Criteria: ICSL Variant Classification Criteria 13 December 2019. Collection method: clinical testing. Allele origin: germline.
Comment: This variant was observed in the ICSL laboratory as part of a predisposition screen in an ostensibly healthy population. It had not been previously curated by ICSL or reported in the Human Gene Mutation Database (HGMD: prior to June 1st, 2018), and was therefore a candidate for classification through an automated scoring system. Utilizing variant allele frequency, disease prevalence and penetrance estimates, and inheritance mode, an automated score was calculated to assess if this variant is too frequent to cause the disease. Based on the score and internal cut-off values, a variant classified as likely benign is not then subjected to further curation. The score for this variant resulted in a classification of likely benign for this disease.

Illumina Laboratory Services, Illumina
Classification: Uncertain significance for Gastrointestinal stromal tumor. Last evaluated: 2018-01-13. Review status: criteria provided, single submitter. Criteria: ICSL Variant Classification Criteria 13 December 2019. Collection method: clinical testing. Allele origin: germline.

Fulgent Genetics
Classification: Uncertain significance for Gastrointestinal stromal tumor; Idiopathic hypereosinophilic syndrome. Last evaluated: 2017-05-23. Review status: criteria provided, single submitter. Criteria: ACMG Guidelines, 2015. Collection method: clinical testing. Allele origin: unknown.

Genomic Diagnostic Laboratory, Division of Genomic Diagnostics, Children's Hospital of Philadelphia
Classification: Uncertain significance. Last evaluated: 2015-06-11. Review status: criteria provided, single submitter. Criteria: DGD Variant Analysis Guidelines. Collection method: clinical testing. Allele origin: unknown.

PreventionGenetics, part of Exact Sciences
Classification: Likely benign for PDGFRA-related condition. Last evaluated: 2022-03-15. Review status: no assertion criteria provided. Collection method: clinical testing. Allele origin: germline. Not counted in ClinVar's aggregate classification.
Comment: This variant is classified as likely benign based on ACMG/AMP sequence variant interpretation guidelines (Richards et al. 2015 PMID: 25741868, with internal and published modifications).

Literature cited by the submitters: PubMed 28873162 (cited by Sema4).

NM_006206.6(PDGFRA):c.1135T>G (p.Leu379Val)

Gene: PDGFRA (platelet derived growth factor receptor alpha; plus strand). Cytogenetic location: 4q12.
Variant type: single nucleotide variant.
Coding change: c.1135T>G on transcript NM_006206.6 (MANE Select); coding-DNA position 1135, T replaced by G.
Protein change: p.Leu379Val; replaces leucine 379 with valine.
Molecular consequence: missense variant.
Genome position (GRCh38, 1-based): chr4:54,270,646, T>G. VCF-style: chr4-54270646-T-G. GRCh37 (hg19) VCF-style: chr4-55136813-T-G.
Other names: c.1135T>G (NM_006206.5); c.1135T>G, p.Leu379Val (NM_001347827.2, NM_001347829.2); c.1210T>G, p.Leu404Val (NM_001347828.2); c.1174T>G, p.Leu392Val (NM_001347830.2); short protein forms L379V, L392V, L404V.
Identifiers: ClinVar variation 218679 (VCV000218679.57), dbSNP rs199827643, ClinGen allele CA249386.